The following is an entry in ClinVar:

ClinVar aggregate classification (germline): Uncertain significance. Review status: criteria provided, multiple submitters, no conflicts (2 of 4 stars). 3 submissions from 3 submitters: Uncertain significance (3). Last evaluated 2026-01-25.

Conditions:
Hypertrophic cardiomyopathy 26. Also called: Cardiomyopathy, familial hypertrophic, 26. Identifiers: Orphanet 75249, MedGen C4310749, MONDO:0014883, OMIM 617047.
Distal myopathy with posterior leg and anterior hand involvement. Also called: WILLIAMS DISTAL MYOPATHY. Identifiers: Orphanet 63273, MedGen C3279722, MONDO:0013550, OMIM 614065.
Myofibrillar myopathy 5. Also called: Filaminopathy (type); FILAMINOPATHY, AUTOSOMAL DOMINANT. Identifiers: Orphanet 171445, MedGen C1836050, MONDO:0012289, OMIM 609524.

Allele frequency attached by ClinVar (database versions not stated): ExAC 0.00001; gnomAD 0.00001; gnomAD exomes 0.00002 and 0.00003; TOPMed 0.00002; ESP Exome Variant Server 0.00016.
gnomAD v4.1: 47 of 1,613,604 alleles (0.0029%); highest among the groups gnomAD compares: Non-Finnish European, 0.0038%; no homozygotes.

Submissions (3):

Labcorp Genetics (formerly Invitae), Labcorp
Classification: Uncertain significance for Distal myopathy with posterior leg and anterior hand involvement; Myofibrillar myopathy 5; Hypertrophic cardiomyopathy 26. Last evaluated: 2026-01-25. Review status: criteria provided, single submitter. Criteria: Invitae Variant Classification Sherloc (09022015). Collection method: clinical testing. Allele origin: germline.
Comment: This sequence change replaces valine, which is neutral and non-polar, with isoleucine, which is neutral and non-polar, at codon 1265 of the FLNC protein (p.Val1265Ile). This variant is present in population databases (rs368102638, gnomAD 0.004%). This variant has not been reported in the literature in individuals affected with FLNC-related conditions. ClinVar contains an entry for this variant (Variation ID: 810189). An algorithm developed to predict the effect of missense changes on protein structure and function (PolyPhen-2) suggests that this variant is likely to be tolerated. In summary, the available evidence is currently insufficient to determine the role of this variant in disease. Therefore, it has been classified as a Variant of Uncertain Significance.

Blueprint Genetics
Classification: Uncertain significance. Last evaluated: 2022-10-26. Review status: criteria provided, single submitter. Criteria: ACMG Guidelines, 2015. Collection method: clinical testing. Allele origin: germline.

CeGaT Center for Human Genetics Tuebingen
Classification: Uncertain significance. Last evaluated: 2019-06-01. Review status: criteria provided, single submitter. Criteria: CeGaT Center For Human Genetics Tuebingen Variant Classification Criteria Version 2. Collection method: clinical testing. Allele origin: germline. Affected: yes. Observed: 1 variant allele.

NM_001458.5(FLNC):c.3793G>A (p.Val1265Ile)

Gene: FLNC (filamin C; plus strand). Cytogenetic location: 7q32.1.
Variant type: single nucleotide variant.
Coding change: c.3793G>A on transcript NM_001458.5 (MANE Select); coding-DNA position 3793, G replaced by A.
Protein change: p.Val1265Ile; replaces valine 1265 with isoleucine.
Molecular consequence: missense variant.
Genome position (GRCh38, 1-based): chr7:128,845,992, G>A. VCF-style: chr7-128845992-G-A. GRCh37 (hg19) VCF-style: chr7-128486046-G-A.
Other names: c.3793G>A, p.Val1265Ile (NM_001127487.2); short protein forms V1265I.
Identifiers: ClinVar variation 810189 (VCV000810189.50), dbSNP rs368102638, ClinGen allele CA4475143.